The following is an entry in ClinVar:

NM_001267550.2(TTN):c.61873A>G (p.Lys20625Glu)

Genes: TTN (titin; minus strand), TTN-AS1 (TTN antisense RNA 1; plus strand). Cytogenetic location: 2q31.2.
Variant type: single nucleotide variant.
Coding change: c.61873A>G on transcript NM_001267550.2 (MANE Select); coding-DNA position 61873, A replaced by G.
Protein change: p.Lys20625Glu; replaces lysine 20625 with glutamic acid.
Molecular consequence: missense variant.
Genome position (GRCh38, 1-based): chr2:178,589,852, T>C on the plus strand (A>G on the coding strand, the complement: TTN is on the minus strand). VCF-style: chr2-178589852-T-C. GRCh37 (hg19) VCF-style: chr2-179454579-T-C.
Other names: c.56950A>G, p.Lys18984Glu (NM_001256850.1); c.34678A>G, p.Lys11560Glu (NM_003319.4); c.54169A>G, p.Lys18057Glu (NM_133378.4); c.35053A>G, p.Lys11685Glu (NM_133432.3); c.35254A>G, p.Lys11752Glu (NM_133437.4); short protein forms K11560E, K11685E, K11752E, K18057E, K18984E, K20625E.
Identifiers: ClinVar variation 3384665 (VCV003384665.1).
Genomic context (GRCh38, chr2:178,589,852, plus strand): 5'-CTGCACAAACTCGGAAATAGTATTCATTGTTGGCTAAAAGGTTGGCCTTGATTAATCGTT[T>C]AGTGACATCTGATGCAACAATTGACCAGCCTTTCTGGTTTGGTTTGCGATATTCTACTAT-3'
Protein context (NP_001254479.2, residues 20615-20635): GWSIVASDVT[Lys20625Glu]RLIKANLLAN

ClinVar aggregate classification (germline): Uncertain significance (1 of 4 stars; one submission).

gnomAD v4.1: 2 of 1,613,482 alleles (0.00012%); highest among the groups gnomAD compares: Non-Finnish European, 0.00017%; no homozygotes.

Submission:

GeneDx
Classification: Uncertain significance. Last evaluated: 2024-06-06. Review status: criteria provided, single submitter. Criteria: GeneDx Variant Classification Process June 2021. Collection method: clinical testing. Allele origin: germline. Affected: yes.
Comment: Not observed at significant frequency in large population cohorts (gnomAD); Missense variant in a gene in which most reported pathogenic variants are truncating/loss of function; Has not been previously published as pathogenic or benign to our knowledge